The following is an entry in ClinVar:

NM_020163.3(SEMA3G):c.537C>G (p.Ala179=)

Gene: SEMA3G (semaphorin 3G; minus strand). Cytogenetic location: 3p21.1.
Variant type: single nucleotide variant.
Coding change: c.537C>G on transcript NM_020163.3 (MANE Select); coding-DNA position 537, C replaced by G.
Protein change: p.Ala179=; no amino-acid change (alanine 179 retained).
Molecular consequence: synonymous variant.
Genome position (GRCh38, 1-based): chr3:52,441,832, G>C on the plus strand (C>G on the coding strand, the complement: SEMA3G is on the minus strand). VCF-style: chr3-52441832-G-C. GRCh37 (hg19) VCF-style: chr3-52475848-G-C.
Identifiers: ClinVar variation 3354503 (VCV003354503.1).
Genomic context (GRCh38, chr3:52,441,832, plus strand): 5'-CCAGCTGCCACCCTCCCTGTTCTCACCCTGGCCTGGGCATCACCCACCTATGAAGGTGCT[G>C]GCAAAGGGACGGCTGGGCTCGTGAGGGCACCGCCCCCGGCCACTTTCCACACTGCCAGGC-3'
Protein context (NP_064548.1, residues 169-189): RCPHEPSRPF[Ala179=]STFIDGELYT

ClinVar aggregate classification (germline): Likely benign (0 of 4 stars; one submission).

Conditions:
SEMA3G-related disorder. Also called: SEMA3G-related condition.

gnomAD v4.1: 2 of 1,606,566 alleles (0.00012%); highest among the groups gnomAD compares: Non-Finnish European, 0.00017%; no homozygotes.

Submission:

PreventionGenetics, part of Exact Sciences
Classification: Likely benign for SEMA3G-related condition. Last evaluated: 2023-06-16. Review status: no assertion criteria provided. Collection method: clinical testing. Allele origin: germline.
Comment: This variant is classified as likely benign based on ACMG/AMP sequence variant interpretation guidelines (Richards et al. 2015 PMID: 25741868, with internal and published modifications).